The following is an entry in ClinVar:

NM_020778.5(ALPK3):c.2978C>A (p.Pro993His)

Gene: ALPK3 (alpha kinase 3; plus strand). Cytogenetic location: 15q25.3.
Variant type: single nucleotide variant.
Coding change: c.2978C>A on transcript NM_020778.5 (MANE Select); coding-DNA position 2978, C replaced by A.
Protein change: p.Pro993His; replaces proline 993 with histidine.
Molecular consequence: missense variant.
Genome position (GRCh38, 1-based): chr15:84,857,716, C>A. VCF-style: chr15-84857716-C-A. GRCh37 (hg19) VCF-style: chr15-85400947-C-A.
Other names: short protein forms P993H.
Identifiers: ClinVar variation 1487864 (VCV001487864.6), dbSNP rs1293398654, ClinGen allele CA393359362.

ClinVar aggregate classification (germline): Uncertain significance (1 of 4 stars; one submission).

Allele frequency attached by ClinVar (database versions not stated): TOPMed below 0.00001; gnomAD 0.00001; gnomAD exomes 0.00001.

Submission:

Labcorp Genetics (formerly Invitae), Labcorp
Classification: Uncertain significance. Last evaluated: 2021-11-12. Review status: criteria provided, single submitter. Criteria: Invitae Variant Classification Sherloc (09022015). Collection method: clinical testing. Allele origin: germline.
Comment: This variant is not present in population databases (gnomAD no frequency). This sequence change replaces proline, which is neutral and non-polar, with histidine, which is basic and polar, at codon 1195 of the ALPK3 protein (p.Pro1195His). This variant has not been reported in the literature in individuals affected with ALPK3-related conditions. Algorithms developed to predict the effect of missense changes on protein structure and function output the following: SIFT: "Tolerated"; PolyPhen-2: "Benign"; Align-GVGD: "Class C0". The histidine amino acid residue is found in multiple mammalian species, which suggests that this missense change does not adversely affect protein function. In summary, the available evidence is currently insufficient to determine the role of this variant in disease. Therefore, it has been classified as a Variant of Uncertain Significance.